The following is an entry in ClinVar:

NM_001077350.3(NPRL3):c.1667A>C (p.His556Pro)

Gene: NPRL3 (NPR3 like, GATOR1 complex subunit; minus strand). Cytogenetic location: 16p13.3.
Variant type: single nucleotide variant.
Coding change: c.1667A>C on transcript NM_001077350.3 (MANE Select); coding-DNA position 1667, A replaced by C.
Protein change: p.His556Pro; replaces histidine 556 with proline.
Molecular consequence: missense variant.
Genome position (GRCh38, 1-based): chr16:86,748, T>G on the plus strand (A>C on the coding strand, the complement: NPRL3 is on the minus strand). VCF-style: chr16-86748-T-G. GRCh37 (hg19) VCF-style: chr16-136747-T-G.
Other names: c.1130A>C, p.His377Pro (NM_001039476.3); c.1433A>C, p.His478Pro (NM_001243247.2); c.1592A>C, p.His531Pro (NM_001243248.2, NM_001243249.2); short protein forms H531P, H556P, H377P, H478P.
Identifiers: ClinVar variation 861643 (VCV000861643.8), dbSNP rs1898489910, ClinGen allele CA394044201.
Genomic context (GRCh38, chr16:86,748, plus strand): 5'-CCGCCCTCCGCCTGGGCTCAGGGGAGCAGAGCCTGGAAGACGGCAATGACAGGGTCCTCG[T>G]GGGTGGTCACCACCAGCACGCTGCGGAACTTGTCAAACAGCATGAGCAGCTGGGAGCGCC-3'
Protein context (NP_001070818.1, residues 546-566): KFRSVLVVTT[His556Pro]EDPVIAVFQA

ClinVar aggregate classification (germline): Uncertain significance (1 of 4 stars; one submission).

Conditions:
Epilepsy, familial focal, with variable foci 3 (FFEVF3). Identifiers: MedGen C4310708, MONDO:0014925, OMIM 617118.

Submission:

Labcorp Genetics (formerly Invitae), Labcorp
Classification: Uncertain significance for Epilepsy, familial focal, with variable foci 3. Last evaluated: 2019-08-23. Review status: criteria provided, single submitter. Criteria: Invitae Variant Classification Sherloc (09022015). Collection method: clinical testing. Allele origin: germline.
Comment: This variant is not present in population databases (ExAC no frequency). In summary, the available evidence is currently insufficient to determine the role of this variant in disease. Therefore, it has been classified as a Variant of Uncertain Significance. Algorithms developed to predict the effect of missense changes on protein structure and function are either unavailable or do not agree on the potential impact of this missense change (SIFT: "Tolerated"; PolyPhen-2: "Probably damaging"; Align-GVGD: "Class C0"). This variant has not been reported in the literature in individuals with NPRL3-related conditions. This sequence change replaces histidine with proline at codon 556 of the NPRL3 protein (p.His556Pro). The histidine residue is moderately conserved and there is a moderate physicochemical difference between histidine and proline.